The following is an entry in ClinVar:

NM_182916.3(TRNT1):c.742G>A (p.Gly248Ser)

Gene: TRNT1 (tRNA nucleotidyl transferase 1; plus strand). Cytogenetic location: 3p26.2.
Variant type: single nucleotide variant.
Coding change: c.742G>A on transcript NM_182916.3 (MANE Select); coding-DNA position 742, G replaced by A.
Protein change: p.Gly248Ser; replaces glycine 248 with serine.
Molecular consequence: missense variant. On other transcripts: non-coding transcript variant (6).
Genome position (GRCh38, 1-based): chr3:3,146,563, G>A. VCF-style: chr3-3146563-G-A. GRCh37 (hg19) VCF-style: chr3-3188247-G-A.
Other names: c.742G>A, p.Gly248Ser (NM_001302946.2, NM_001367321.1, NM_001367322.1 and 1 more transcripts); short protein forms G248S.
Identifiers: ClinVar variation 2118067 (VCV002118067.4), dbSNP rs1438102216, ClinGen allele CA351447200.
Genomic context (GRCh38, chr3:3,146,563, plus strand): 5'-AAAGGCTTGGCTGGAATATCAGGAGAAAGGATTTGGGTGGAACTGAAAAAAATTCTTGTT[G>A]GTAACCATGTAAATCATTTGATTCACCTTATCTATGATCTTGATGTGGCTCCTTATATAG-3'
Protein context (NP_886552.3, residues 238-258): IWVELKKILV[Gly248Ser]NHVNHLIHLI

ClinVar aggregate classification (germline): Uncertain significance (1 of 4 stars; one submission).

Conditions:
Congenital sideroblastic anemia-B-cell immunodeficiency-periodic fever-developmental delay syndrome. Also called: Sideroblastic anemia with B-cell immunodeficiency, periodic fevers, and developmental delay. Identifiers: Orphanet 369861, MedGen C4015172, MONDO:0014487, OMIM 616084.

Submission:

Labcorp Genetics (formerly Invitae), Labcorp
Classification: Uncertain significance for Congenital sideroblastic anemia-B-cell immunodeficiency-periodic fever-developmental delay syndrome. Last evaluated: 2023-08-17. Review status: criteria provided, single submitter. Criteria: Invitae Variant Classification Sherloc (09022015). Collection method: clinical testing. Allele origin: germline.
Comment: Algorithms developed to predict the effect of sequence changes on RNA splicing suggest that this variant may disrupt the consensus splice site. In summary, the available evidence is currently insufficient to determine the role of this variant in disease. Therefore, it has been classified as a Variant of Uncertain Significance. Advanced modeling of protein sequence and biophysical properties (such as structural, functional, and spatial information, amino acid conservation, physicochemical variation, residue mobility, and thermodynamic stability) performed at Invitae indicates that this missense variant is not expected to disrupt TRNT1 protein function. ClinVar contains an entry for this variant (Variation ID: 2118067). This variant has not been reported in the literature in individuals affected with TRNT1-related conditions. This variant is not present in population databases (gnomAD no frequency). This sequence change replaces glycine, which is neutral and non-polar, with serine, which is neutral and polar, at codon 248 of the TRNT1 protein (p.Gly248Ser).